The following is an entry in ClinVar:

ClinVar aggregate classification (germline): Pathogenic (1 of 4 stars; one submission).

Conditions:
Charcot-Marie-Tooth disease type 4. Also called: Charcot-Marie-Tooth disease, type IV; Charcot-Marie-Tooth, Type 4. Identifiers: Orphanet 64749, MedGen C4082197, MONDO:0018995.

Allele frequency attached by ClinVar (database versions not stated): gnomAD exomes below 0.00001 and 0.00001; gnomAD 0.00001; TOPMed 0.00001.
gnomAD v4.1: 13 of 1,612,992 alleles (0.00081%); highest among the groups gnomAD compares: Non-Finnish European, 0.0011%; no homozygotes.

Submission:

Labcorp Genetics (formerly Invitae), Labcorp
Classification: Pathogenic for Charcot-Marie-Tooth disease type 4. Last evaluated: 2024-06-09. Review status: criteria provided, single submitter. Criteria: Invitae Variant Classification Sherloc (09022015). Collection method: clinical testing. Allele origin: germline.
Comment: This sequence change creates a premature translational stop signal (p.Glu627*) in the SBF2 gene. It is expected to result in an absent or disrupted protein product. Loss-of-function variants in SBF2 are known to be pathogenic (PMID: 12687498, 25873783). This variant is present in population databases (no rsID available, gnomAD 0.0009%). This variant has not been reported in the literature in individuals affected with SBF2-related conditions. ClinVar contains an entry for this variant (Variation ID: 1076817). For these reasons, this variant has been classified as Pathogenic.

Literature cited by the submitters: PubMed 12687498; PubMed 25873783.

NM_030962.4(SBF2):c.1879G>T (p.Glu627Ter)

Genes: SBF2 (SET binding factor 2; minus strand), LOC101928008 (uncharacterized LOC101928008; plus strand). Cytogenetic location: 11p15.4.
Variant type: single nucleotide variant.
Coding change: c.1879G>T on transcript NM_030962.4 (MANE Select); coding-DNA position 1879, G replaced by T.
Protein change: p.Glu627Ter; replaces glutamic acid 627 with a stop codon.
Molecular consequence: nonsense.
Genome position (GRCh38, 1-based): chr11:9,895,993, C>A on the plus strand (G>T on the coding strand, the complement: SBF2 is on the minus strand). VCF-style: chr11-9895993-C-A. GRCh37 (hg19) VCF-style: chr11-9917540-C-A.
Other names: c.1879G>T, p.Glu627Ter (NM_001386339.1); c.1750G>T, p.Glu584Ter (NM_001386342.1); short protein forms E584*, E627*.
Identifiers: ClinVar variation 1076817 (VCV001076817.8), dbSNP rs1433023728, ClinGen allele CA379646401.
Genomic context (GRCh38, chr11:9,895,993, plus strand): 5'-TGAAACTTACCCTATAGAAAGCACTGGTCAAAGGGAGTAATGCTGCGGCAATGTTGTATT[C>A]TTCTAAACTTGAACAATCCTTTAAGCAAAACAAAGACAAAAGAGCATTAGGATATTTACC-3'